The following is an entry in ClinVar:

ClinVar aggregate classification (germline): Benign. Review status: criteria provided, multiple submitters, no conflicts (2 of 4 stars). 3 submissions from 3 submitters: Benign (2). 1 of the submissions does not count toward it. Last evaluated 2019-01-10.

Allele frequency attached by ClinVar (database versions not stated): 1000 Genomes Project 0.06210; 1000 Genomes Project 30x 0.06215; TOPMed 0.08786; gnomAD 0.09123 and 0.09148; ESP Exome Variant Server 0.09897; gnomAD exomes 0.10096 and 0.12748; ExAC 0.10152.
gnomAD v4.1: 193,632 of 1,565,730 alleles (12%); highest among the groups gnomAD compares: Middle Eastern, 14%; 13,336 homozygotes.

Submissions (3):

GeneDx
Classification: Benign. Last evaluated: 2019-01-10. Review status: criteria provided, single submitter. Criteria: GeneDx Variant Classification Process June 2021. Collection method: clinical testing. Allele origin: germline. Affected: yes.

Breakthrough Genomics
Classification: Benign. Review status: criteria provided, single submitter. Criteria: ACMG Guidelines, 2015. Collection method: not provided. Allele origin: germline. Inheritance: Autosomal recessive inheritance. Affected: yes.

Leiden Open Variation Database
Classification: Likely benign. Last evaluated: 2012-08-31. Review status: no assertion criteria provided. Collection method: curation. Allele origin: germline. Affected: yes. Not counted in ClinVar's aggregate classification.
Comment: Curator: Arleen D. Auerbach. Submitter to LOVD: Janine Bakker.

Literature cited by the submitters: PubMed 22911665 (cited by Leiden Open Variation Database).

NM_032444.4(SLX4):c.4739+24G>T

Gene: SLX4 (SLX4 structure-specific endonuclease subunit; minus strand). Cytogenetic location: 16p13.3.
Variant type: single nucleotide variant.
Coding change: c.4739+24G>T on transcript NM_032444.4 (MANE Select); 24 bases into the intron after coding-DNA position 4739, G replaced by T.
Molecular consequence: intron variant.
Genome position (GRCh38, 1-based): chr16:3,584,745, C>A on the plus strand (G>T on the coding strand, the complement: SLX4 is on the minus strand). VCF-style: chr16-3584745-C-A. GRCh37 (hg19) VCF-style: chr16-3634746-C-A.
Identifiers: ClinVar variation 929612 (VCV000929612.4), dbSNP rs12933120, ClinGen allele CA7865530.
Genomic context (GRCh38, chr16:3,584,745, plus strand): 5'-CCTTCCGCCCCCAGGTGTGTGAAACCCAGTTACTTATGGGAGGGAAAAGACCACTGTGGG[C>A]AACAAGCTTTGAAGACCGCCAACCTATCCAGTTCCTTCTTCAGCACCGGCGTCTCCATAA-3'